The following is an entry in ClinVar:

NM_000548.5(TSC2):c.-38C>G

Genes: TSC2 (TSC complex subunit 2; plus strand), LOC130058210 (ATAC-STARR-seq lymphoblastoid silent region 7024; plus strand). Cytogenetic location: 16p13.3.
Variant type: single nucleotide variant.
Coding change: c.-38C>G on transcript NM_000548.5 (MANE Select); 38 bases upstream of the start codon, C replaced by G.
Molecular consequence: 5 prime UTR variant. On other transcripts: non-coding transcript variant (5).
Genome position (GRCh38, 1-based): chr16:2,048,057, C>G. VCF-style: chr16-2048057-C-G. GRCh37 (hg19) VCF-style: chr16-2098058-C-G.
Other names: c.-38C>G (NM_001077183.3, NM_001114382.3, NM_001318827.2 and 13 more transcripts); c.-18C>G (NM_001318829.2, NM_001406675.1, NM_001406676.1 and 2 more transcripts); c.-264C>G (NM_001318831.2, NM_001406682.1, NM_001406684.1 and 2 more transcripts); c.-854C>G (NM_001406680.1, NM_001406683.1, NM_001406687.1); c.-483C>G (NM_001406681.1); c.-97C>G (NM_001406686.1); c.-1469C>G (NM_001406689.1, NM_001406690.1, NM_001406691.1 and 2 more transcripts); c.-1775C>G (NM_001406693.1); and 3 more.
Identifiers: ClinVar variation 4989249 (VCV004989249.1).

ClinVar aggregate classification (germline): Likely benign (1 of 4 stars; one submission).

Conditions:
TSC2-related disorder. Also called: TSC2-related condition; TSC2-Related Disorders.

Submission:

PreventionGenetics, part of Exact Sciences
Classification: Likely benign for TSC2-related condition. Last evaluated: 2024-12-27. Review status: criteria provided, single submitter. Criteria: ACMG Guidelines, 2015. Collection method: clinical testing. Allele origin: germline.
Comment: This variant is classified as likely benign based on ACMG/AMP sequence variant interpretation guidelines (Richards et al. 2015 PMID: 25741868, with internal and published modifications).